The following is an entry in ClinVar:

NM_000138.5(FBN1):c.3252C>T (p.Gly1084=)

Gene: FBN1 (fibrillin 1; minus strand). Cytogenetic location: 15q21.1.
Variant type: single nucleotide variant.
Coding change: c.3252C>T on transcript NM_000138.5 (MANE Select); coding-DNA position 3252, C replaced by T.
Protein change: p.Gly1084=; no amino-acid change (glycine 1084 retained).
Molecular consequence: synonymous variant.
Genome position (GRCh38, 1-based): chr15:48,488,198, G>A on the plus strand (C>T on the coding strand, the complement: FBN1 is on the minus strand). VCF-style: chr15-48488198-G-A. GRCh37 (hg19) VCF-style: chr15-48780395-G-A.
Other names: c.3252C>T, p.Gly1084= (NM_001406716.1).
Identifiers: ClinVar variation 2562534 (VCV002562534.3), dbSNP rs2505552717, ClinGen allele CA490018717.

ClinVar aggregate classification (germline): Likely benign. Review status: criteria provided, single submitter (1 of 4 stars). 2 submissions from 2 submitters: Likely benign (1). 1 of the submissions does not count toward it. Last evaluated 2023-05-22.

Conditions:
Familial thoracic aortic aneurysm and aortic dissection (TAAD). Also called: Thoracic aortic aneurysms and dissections. Identifiers: Orphanet 91387, MedGen C4707243, MONDO:0019625.
FBN1-related disorder. Also called: FBN1-related disorders.

Submissions (2):

Ambry Genetics
Classification: Likely benign for Familial thoracic aortic aneurysm and aortic dissection. Last evaluated: 2023-05-22. Review status: criteria provided, single submitter. Criteria: Ambry Variant Classification Scheme 2023. Collection method: clinical testing. Allele origin: germline.

PreventionGenetics, part of Exact Sciences
Classification: Likely benign for FBN1-related condition. Last evaluated: 2024-06-20. Review status: no assertion criteria provided. Collection method: clinical testing. Allele origin: germline. Not counted in ClinVar's aggregate classification.
Comment: This variant is classified as likely benign based on ACMG/AMP sequence variant interpretation guidelines (Richards et al. 2015 PMID: 25741868, with internal and published modifications).